The following is an entry in ClinVar:

ClinVar aggregate classification (germline): Uncertain significance. Review status: criteria provided, multiple submitters, no conflicts (2 of 4 stars). 3 submissions from 3 submitters: Uncertain significance (3). Last evaluated 2025-09-15.

Conditions:
Inborn genetic diseases. Identifiers: MedGen C0950123, MeSH D030342.
Familial focal epilepsy with variable foci (FPEVF). Identifiers: Orphanet 98820, MedGen C1858477, MONDO:0020310.

Allele frequency attached by ClinVar (database versions not stated): gnomAD 0.00001; gnomAD exomes 0.00005; ExAC 0.00029; TOPMed below 0.00001.
gnomAD v4.1: 64 of 1,551,464 alleles (0.0041%); highest among the groups gnomAD compares: South Asian, 0.062%; 1 homozygote.

Submissions (3):

Labcorp Genetics (formerly Invitae), Labcorp
Classification: Uncertain significance for Familial focal epilepsy with variable foci. Last evaluated: 2025-09-15. Review status: criteria provided, single submitter. Criteria: Invitae Variant Classification Sherloc (09022015). Collection method: clinical testing. Allele origin: germline.
Comment: This sequence change replaces alanine, which is neutral and non-polar, with valine, which is neutral and non-polar, at codon 1091 of the DEPDC5 protein (p.Ala1091Val). This variant is present in population databases (rs772812141, gnomAD 0.07%). This variant has not been reported in the literature in individuals affected with DEPDC5-related conditions. ClinVar contains an entry for this variant (Variation ID: 407344). Experimental studies and prediction algorithms are not available or were not evaluated, and the functional significance of this variant is currently unknown. In summary, the available evidence is currently insufficient to determine the role of this variant in disease. Therefore, it has been classified as a Variant of Uncertain Significance.

Ambry Genetics
Classification: Uncertain significance for Inborn genetic diseases. Last evaluated: 2017-09-28. Review status: criteria provided, single submitter. Criteria: Ambry Variant Classification Scheme 2023. Collection method: clinical testing. Allele origin: germline.
Comment: The p.A1091V variant (also known as c.3272C>T), located in coding exon 32 of the DEPDC5 gene, results from a C to T substitution at nucleotide position 3272. The alanine at codon 1091 is replaced by valine, an amino acid with similar properties. This amino acid position is highly conserved in available vertebrate species. In addition, this alteration is predicted to be tolerated by in silico analysis. Since supporting evidence is limited at this time, the clinical significance of this alteration remains unclear.

Stanford Center for Inherited Cardiovascular Disease, Stanford University
Classification: Uncertain significance. Last evaluated: 2017-04-08. Review status: criteria provided, single submitter. Criteria: ACMG Guidelines, 2015. Collection method: provider interpretation. Allele origin: germline.

NM_001242896.3(DEPDC5):c.3272C>T (p.Ala1091Val)

Gene: DEPDC5 (DEP domain containing 5, GATOR1 subcomplex subunit; plus strand). Cytogenetic location: 22q12.3.
Variant type: single nucleotide variant.
Coding change: c.3272C>T on transcript NM_001242896.3 (MANE Select); coding-DNA position 3272, C replaced by T.
Protein change: p.Ala1091Val; replaces alanine 1091 with valine.
Molecular consequence: missense variant. On other transcripts: non-coding transcript variant (2), intron variant (5).
Genome position (GRCh38, 1-based): chr22:31,861,375, C>T. VCF-style: chr22-31861375-C-T. GRCh37 (hg19) VCF-style: chr22-32257361-C-T.
Other names: c.3245C>T, p.Ala1082Val (NM_001136029.4); c.3038C>T, p.Ala1013Val (NM_001363854.2, NM_001364319.2); c.3272C>T, p.Ala1091Val (NM_001364318.2); c.3188C>T, p.Ala1063Val (NM_001369901.1, NM_001369902.1); c.3237+3822C>T (NM_014662.6, NM_001369903.1); c.3264+3822C>T (NM_001363852.2, NM_001364320.2); c.3030+3822C>T (NM_001242897.2); short protein forms A1091V, A1013V, A1063V, A1082V.
Identifiers: ClinVar variation 407344 (VCV000407344.13), dbSNP rs772812141, ClinGen allele CA10196939.